The following is an entry in ClinVar:

ClinVar aggregate classification (germline): Uncertain significance (1 of 4 stars; one submission).

Conditions:
Nemaline myopathy 2 (NEM2). Also called: Nemaline myopathy 2, autosomal recessive. Identifiers: MedGen C1850569, MONDO:0009725, OMIM 256030.

Submission:

Labcorp Genetics (formerly Invitae), Labcorp
Classification: Uncertain significance for Nemaline myopathy 2. Last evaluated: 2022-06-01. Review status: criteria provided, single submitter. Criteria: Invitae Variant Classification Sherloc (09022015). Collection method: clinical testing. Allele origin: germline.
Comment: Algorithms developed to predict the effect of sequence changes on RNA splicing suggest that this variant may create or strengthen a splice site. In summary, the available evidence is currently insufficient to determine the role of this variant in disease. Therefore, it has been classified as a Variant of Uncertain Significance. This sequence change replaces valine, which is neutral and non-polar, with methionine, which is neutral and non-polar, at codon 7940 of the NEB protein (p.Val7940Met). This variant is not present in population databases (gnomAD no frequency). This variant has not been reported in the literature in individuals affected with NEB-related conditions. Algorithms developed to predict the effect of missense changes on protein structure and function are either unavailable or do not agree on the potential impact of this missense change (SIFT: "Deleterious"; PolyPhen-2: "Not Available"; Align-GVGD: "Class C0").

NM_001164508.2(NEB):c.23713G>A (p.Val7905Met)

Genes: NEB (nebulin; minus strand), RIF1 (replication timing regulatory factor 1; plus strand). Cytogenetic location: 2q23.3.
Variant type: single nucleotide variant.
Coding change: c.23713G>A on transcript NM_001164508.2 (MANE Select); coding-DNA position 23713, G replaced by A.
Protein change: p.Val7905Met; replaces valine 7905 with methionine.
Molecular consequence: missense variant.
Genome position (GRCh38, 1-based): chr2:151,505,507, C>T on the plus strand (G>A on the coding strand, the complement: NEB is on the minus strand). VCF-style: chr2-151505507-C-T. GRCh37 (hg19) VCF-style: chr2-152362021-C-T.
Other names: c.23713G>A, p.Val7905Met (NM_001164507.2); c.23818G>A, p.Val7940Met (NM_001271208.2); c.18610G>A, p.Val6204Met (NM_004543.5); short protein forms V7905M, V6204M, V7940M.
Identifiers: ClinVar variation 2126802 (VCV002126802.4), dbSNP rs2551970030, ClinGen allele CA348783188.